The following is an entry in ClinVar:

NM_017837.4(PIGV):c.148G>T (p.Gly50Cys)

Gene: PIGV (phosphatidylinositol glycan anchor biosynthesis class V; plus strand). Cytogenetic location: 1p36.11.
Variant type: single nucleotide variant.
Coding change: c.148G>T on transcript NM_017837.4 (MANE Select); coding-DNA position 148, G replaced by T.
Protein change: p.Gly50Cys; replaces glycine 50 with cysteine.
Molecular consequence: missense variant. On other transcripts: 5 prime UTR variant (1), non-coding transcript variant (2), intron variant (1).
Genome position (GRCh38, 1-based): chr1:26,794,182, G>T. VCF-style: chr1-26794182-G-T. GRCh37 (hg19) VCF-style: chr1-27120673-G-T.
Other names: c.148G>T, p.Gly50Cys (NM_001202554.2, NM_001374478.1, NM_001374480.1 and 4 more transcripts); c.-234G>T (NM_001374483.1); c.78+3289G>T (NM_001374486.1); short protein forms G50C.
Identifiers: ClinVar variation 2121498 (VCV002121498.1), dbSNP rs756855102, ClinGen allele CA708005.

ClinVar aggregate classification (germline): Uncertain significance (1 of 4 stars; one submission).

Allele frequency attached by ClinVar (database versions not stated): gnomAD exomes below 0.00001; ExAC 0.00001.
gnomAD v4.1: 1 of 1,614,198 alleles (0.000062%); highest among the groups gnomAD compares: South Asian, 0.0011%; no homozygotes.

Submission:

Labcorp Genetics (formerly Invitae), Labcorp
Classification: Uncertain significance. Last evaluated: 2022-04-04. Review status: criteria provided, single submitter. Criteria: Invitae Variant Classification Sherloc (09022015). Collection method: clinical testing. Allele origin: germline.
Comment: This sequence change replaces glycine, which is neutral and non-polar, with cysteine, which is neutral and slightly polar, at codon 50 of the PIGV protein (p.Gly50Cys). This variant is not present in population databases (gnomAD no frequency). This variant has not been reported in the literature in individuals affected with PIGV-related conditions. Algorithms developed to predict the effect of missense changes on protein structure and function are either unavailable or do not agree on the potential impact of this missense change (SIFT: "Tolerated"; PolyPhen-2: "Possibly Damaging"; Align-GVGD: "Class C0"). In summary, the available evidence is currently insufficient to determine the role of this variant in disease. Therefore, it has been classified as a Variant of Uncertain Significance.